The following is an entry in ClinVar:

NM_052947.4(ALPK2):c.3814G>T (p.Val1272Phe)

Genes: ALPK2 (alpha kinase 2; minus strand), LOC126862764 (BRD4-independent group 4 enhancer GRCh37_chr18:56202574-56203773; plus strand). Cytogenetic location: 18q21.31.
Variant type: single nucleotide variant.
Coding change: c.3814G>T on transcript NM_052947.4 (MANE Select); coding-DNA position 3814, G replaced by T.
Protein change: p.Val1272Phe; replaces valine 1272 with phenylalanine.
Molecular consequence: missense variant.
Genome position (GRCh38, 1-based): chr18:58,536,373, C>A on the plus strand (G>T on the coding strand, the complement: ALPK2 is on the minus strand). VCF-style: chr18-58536373-C-A. GRCh37 (hg19) VCF-style: chr18-56203605-C-A.
Other names: short protein forms V1272F.
Identifiers: ClinVar variation 1735188 (VCV001735188.2), dbSNP rs2051647737, ClinGen allele CA402565503.

ClinVar aggregate classification (germline): Uncertain significance (1 of 4 stars; one submission).

Allele frequency attached by ClinVar (database versions not stated): TOPMed below 0.00001.

Submission:

Ambry Genetics
Classification: Uncertain significance. Last evaluated: 2024-03-02. Review status: criteria provided, single submitter. Criteria: Ambry Variant Classification Scheme 2023. Collection method: clinical testing. Allele origin: germline.
Comment: The p.V1272F variant (also known as c.3814G>T), located in coding exon 4 of the ALPK2 gene, results from a G to T substitution at nucleotide position 3814. The valine at codon 1272 is replaced by phenylalanine, an amino acid with highly similar properties. This amino acid position is conserved. In addition, this alteration is predicted to be tolerated by in silico analysis. Since supporting evidence is limited at this time, the clinical significance of this alteration remains unclear.